The following is an entry in ClinVar:

ClinVar aggregate classification (germline): Uncertain significance (1 of 4 stars; one submission).

Conditions:
Charcot-Marie-Tooth disease, type I (CMT1). Also called: Charcot-Marie-Tooth disease type 1; Charcot-Marie-Tooth, Type 1. Identifiers: Orphanet 65753, MedGen C0751036, MONDO:0019011.

Submission:

Labcorp Genetics (formerly Invitae), Labcorp
Classification: Uncertain significance for Charcot-Marie-Tooth disease, type I. Last evaluated: 2021-11-02. Review status: criteria provided, single submitter. Criteria: Invitae Variant Classification Sherloc (09022015). Collection method: clinical testing. Allele origin: germline.
Comment: A copy number gain of the genomic region encompassing the full coding sequence of the EGR2 gene has been identified. The boundaries of this event are unknown as they extend beyond the assayed region for this gene and therefore may encompass additional genes. As the precise location of this event is unknown, it may be in tandem or it may be located elsewhere in the genome. In summary, the available evidence is currently insufficient to determine the role of this variant in disease. Therefore, it has been classified as a Variant of Uncertain Significance. This variant has not been reported in the literature in individuals affected with EGR2-related conditions.

NC_000010.10:g.(?_64572967)_(64575789_?)dup

Gene: EGR2 (early growth response 2; minus strand). Cytogenetic location: 10q21.3.
Variant type: Duplication.
Identifiers: ClinVar variation 2423028 (VCV002423028.4).